The following is an entry in ClinVar:

NM_001277115.2(DNAH11):c.5140G>T (p.Val1714Leu)

Gene: DNAH11 (dynein axonemal heavy chain 11; plus strand). Cytogenetic location: 7p15.3.
Variant type: single nucleotide variant.
Coding change: c.5140G>T on transcript NM_001277115.2 (MANE Select); coding-DNA position 5140, G replaced by T.
Protein change: p.Val1714Leu; replaces valine 1714 with leucine.
Molecular consequence: missense variant.
Genome position (GRCh38, 1-based): chr7:21,658,843, G>T. VCF-style: chr7-21658843-G-T. GRCh37 (hg19) VCF-style: chr7-21698461-G-T.
Other names: short protein forms V1714L.
Identifiers: ClinVar variation 3503066 (VCV003503066.1).
Genomic context (GRCh38, chr7:21,658,843, plus strand): 5'-AACTTGCTTCCAAAGGTGGAAACATGGCTTCTGCAACTTGAACAGACTATGCAAGAAACG[G>T]TGCGTCATTCTATAACAGAAGCCATAGTGGCCTACGAGGAAAAACCTAGGGAACTGTGGA-3'
Protein context (NP_001264044.1, residues 1704-1724): LQLEQTMQET[Val1714Leu]RHSITEAIVA

ClinVar aggregate classification (germline): Uncertain significance (1 of 4 stars; one submission).

Conditions:
Primary ciliary dyskinesia. Also called: Ciliary dyskinesia. Identifiers: Orphanet 244, MedGen C0008780, MONDO:0016575, HP:0012265.

gnomAD v4.1: 2 of 1,603,024 alleles (0.00012%); highest among the groups gnomAD compares: South Asian, 0.0011%; no homozygotes.

Submission:

Ambry Genetics
Classification: Uncertain significance for Primary ciliary dyskinesia. Last evaluated: 2024-08-23. Review status: criteria provided, single submitter. Criteria: Ambry Variant Classification Scheme 2023. Collection method: clinical testing. Allele origin: germline.
Comment: The p.V1714L variant (also known as c.5140G>T), located in coding exon 30 of the DNAH11 gene, results from a G to T substitution at nucleotide position 5140. The valine at codon 1714 is replaced by leucine, an amino acid with highly similar properties. This amino acid position is conserved. In addition, this alteration is predicted to be tolerated by in silico analysis. Based on the available evidence, the clinical significance of this variant remains unclear.